The following is an entry in ClinVar:

ClinVar aggregate classification (germline): Uncertain significance (1 of 4 stars; one submission).

Conditions:
Diamond-Blackfan anemia. Also called: Blackfan Diamond syndrome; Aregenerative anemia chronic congenital; Red cell aplasia, pure hereditary; Congenital hypoplastic anemia; Aase syndrome. Identifiers: Orphanet 124, MedGen C1260899, MeSH D029503, MONDO:0015253, HP:0004810.

Allele frequency attached by ClinVar (database versions not stated): gnomAD 0.00001; gnomAD exomes 0.00001; TOPMed 0.00001.
gnomAD v4.1: 16 of 1,613,238 alleles (0.00099%); highest among the groups gnomAD compares: Admixed American, 0.0017%; no homozygotes.

Submission:

Labcorp Genetics (formerly Invitae), Labcorp
Classification: Uncertain significance for Diamond-Blackfan anemia. Last evaluated: 2026-01-06. Review status: criteria provided, single submitter. Criteria: Invitae Variant Classification Sherloc (09022015). Collection method: clinical testing. Allele origin: germline.
Comment: This sequence change replaces isoleucine, which is neutral and non-polar, with valine, which is neutral and non-polar, at codon 74 of the RPL5 protein (p.Ile74Val). This variant is present in population databases (no rsID available, gnomAD 0.002%). This variant has not been reported in the literature in individuals affected with RPL5-related conditions. ClinVar contains an entry for this variant (Variation ID: 2172701). Invitae Evidence Modeling of protein sequence and biophysical properties (such as structural, functional, and spatial information, amino acid conservation, physicochemical variation, residue mobility, and thermodynamic stability) indicates that this missense variant is not expected to disrupt RPL5 protein function with a negative predictive value of 80%. In summary, the available evidence is currently insufficient to determine the role of this variant in disease. Therefore, it has been classified as a Variant of Uncertain Significance.

NM_000969.5(RPL5):c.220A>G (p.Ile74Val)

Genes: DIPK1A (divergent protein kinase domain 1A; minus strand), RPL5 (ribosomal protein L5; plus strand). Cytogenetic location: 1p22.1.
Variant type: single nucleotide variant.
Coding change: c.220A>G on transcript NM_000969.5 (MANE Select); coding-DNA position 220, A replaced by G.
Protein change: p.Ile74Val; replaces isoleucine 74 with valine.
Molecular consequence: missense variant. On other transcripts: non-coding transcript variant (1), intron variant (1).
Genome position (GRCh38, 1-based): chr1:92,834,809, A>G. VCF-style: chr1-92834809-A-G. GRCh37 (hg19) VCF-style: chr1-93300366-A-G.
Other names: c.475-1775T>C (NM_001252273.2); short protein forms I74V.
Identifiers: ClinVar variation 2172701 (VCV002172701.3), dbSNP rs1272308261, ClinGen allele CA341241506.